The following is an entry in ClinVar:

NM_020806.5(GPHN):c.1927G>A (p.Ala643Thr)

Gene: GPHN (gephyrin; plus strand). Cytogenetic location: 14q23.3.
Variant type: single nucleotide variant.
Coding change: c.1927G>A on transcript NM_020806.5 (MANE Select); coding-DNA position 1927, G replaced by A.
Protein change: p.Ala643Thr; replaces alanine 643 with threonine.
Molecular consequence: missense variant.
Genome position (GRCh38, 1-based): chr14:67,165,178, G>A. VCF-style: chr14-67165178-G-A. GRCh37 (hg19) VCF-style: chr14-67631895-G-A.
Other names: c.1828G>A, p.Ala610Thr (NM_001024218.2); c.1987G>A, p.Ala663Thr (NM_001377514.1); c.1957G>A, p.Ala653Thr (NM_001377515.1); c.1948G>A, p.Ala650Thr (NM_001377516.1); c.1900G>A, p.Ala634Thr (NM_001377517.1); c.1885G>A, p.Ala629Thr (NM_001377518.1); c.1867G>A, p.Ala623Thr (NM_001377519.1); short protein forms A610T, A623T, A650T, A634T, A643T, A663T, A629T, A653T.
Identifiers: ClinVar variation 1470124 (VCV001470124.8), dbSNP rs1406610713, ClinGen allele CA390121781.

ClinVar aggregate classification (germline): Uncertain significance (1 of 4 stars; one submission).

Conditions:
Sulfite oxidase deficiency due to molybdenum cofactor deficiency type C. Also called: Molybdenum cofactor deficiency, complementation group C; Molybdenum cofactor deficiency C. Identifiers: Orphanet 308400, Orphanet 833, MedGen C1854990, MONDO:0014212, OMIM 615501.

Allele frequency attached by ClinVar (database versions not stated): TOPMed below 0.00001; gnomAD 0.00001.
gnomAD v4.1: 1 of 1,609,770 alleles (0.000062%); highest among the groups gnomAD compares: Non-Finnish European, 0.000085%; no homozygotes.

Submission:

Labcorp Genetics (formerly Invitae), Labcorp
Classification: Uncertain significance for Sulfite oxidase deficiency due to molybdenum cofactor deficiency type C. Last evaluated: 2023-10-29. Review status: criteria provided, single submitter. Criteria: Invitae Variant Classification Sherloc (09022015). Collection method: clinical testing. Allele origin: germline.
Comment: This sequence change replaces alanine, which is neutral and non-polar, with threonine, which is neutral and polar, at codon 643 of the GPHN protein (p.Ala643Thr). This variant is not present in population databases (gnomAD no frequency). This missense change has been observed in individual(s) with clinical features of autosomal dominant GPHN-related conditions (Invitae). ClinVar contains an entry for this variant (Variation ID: 1470124). Advanced modeling of protein sequence and biophysical properties (such as structural, functional, and spatial information, amino acid conservation, physicochemical variation, residue mobility, and thermodynamic stability) performed at Invitae indicates that this missense variant is expected to disrupt GPHN protein function with a positive predictive value of 80%. In summary, the available evidence is currently insufficient to determine the role of this variant in disease. Therefore, it has been classified as a Variant of Uncertain Significance.